The following is an entry in ClinVar:

ClinVar aggregate classification (germline): Conflicting classifications of pathogenicity. Review status: criteria provided, conflicting classifications (1 of 4 stars). 5 submissions from 5 submitters: Uncertain significance (3); Likely benign (2). Last evaluated 2026-01-24.

Conditions:
Inborn genetic diseases. Identifiers: MedGen C0950123, MeSH D030342.

Allele frequency attached by ClinVar (database versions not stated): ExAC 0.00002; gnomAD 0.00002.
gnomAD v4.1: 36 of 1,612,894 alleles (0.0022%); highest among the groups gnomAD compares: East Asian, 0.042%; no homozygotes.

Submissions (5):

Labcorp Genetics (formerly Invitae), Labcorp
Classification: Likely benign. Last evaluated: 2026-01-24. Review status: criteria provided, single submitter. Criteria: Invitae Variant Classification Sherloc (09022015). Collection method: clinical testing. Allele origin: germline.

Women's Health and Genetics/Laboratory Corporation of America, LabCorp
Classification: Uncertain significance. Last evaluated: 2025-07-09. Review status: criteria provided, single submitter. Criteria: LabCorp Variant Classification Summary - May 2015. Collection method: clinical testing. Allele origin: germline.
Comment: Variant summary: WFS1 c.1681A>G (p.Ile561Val) results in a conservative amino acid change in the encoded protein sequence. Algorithms developed to predict the effect of missense changes on protein structure and function all suggest that this variant is likely to be tolerated. The variant allele was found at a frequency of 5.6e-05 in 250772 control chromosomes (gnomAD). This frequency is not significantly higher than estimated for a pathogenic variant in WFS1 causing Wolfram Syndrome 1, allowing no conclusion about variant significance. c.1681A>G has been observed in one individual affected with Wolfram Syndrome 1 (Li_2023). The report does not provide unequivocal conclusions about association of the variant with Wolfram Syndrome 1. To our knowledge, no experimental evidence demonstrating an impact on protein function has been reported. The following publication has been ascertained in the context of this evaluation (PMID: 37277527). ClinVar contains an entry for this variant (Variation ID: 1320392). Based on the evidence outlined above, the variant was classified as uncertain significance.

Blueprint Genetics
Classification: Likely benign. Last evaluated: 2024-11-06. Review status: criteria provided, single submitter. Criteria: ACMG Guidelines, 2015. Collection method: clinical testing. Allele origin: germline.

GeneDx
Classification: Uncertain significance. Last evaluated: 2023-04-11. Review status: criteria provided, single submitter. Criteria: GeneDx Variant Classification Process June 2021. Collection method: clinical testing. Allele origin: germline. Affected: yes.
Comment: In silico analysis supports that this missense variant does not alter protein structure/function; Has not been previously published as pathogenic or benign to our knowledge

Ambry Genetics
Classification: Uncertain significance for Inborn genetic diseases. Last evaluated: 2022-06-29. Review status: criteria provided, single submitter. Criteria: Ambry Variant Classification Scheme 2023. Collection method: clinical testing. Allele origin: germline.

Literature cited by the submitters: PubMed 37277527 (cited by Women's Health and Genetics/Laboratory Corporation of America, LabCorp).

NM_006005.3(WFS1):c.1681A>G (p.Ile561Val)

Gene: WFS1 (wolframin ER transmembrane glycoprotein; plus strand). Cytogenetic location: 4p16.1.
Variant type: single nucleotide variant.
Coding change: c.1681A>G on transcript NM_006005.3 (MANE Select); coding-DNA position 1681, A replaced by G.
Protein change: p.Ile561Val; replaces isoleucine 561 with valine.
Molecular consequence: missense variant.
Genome position (GRCh38, 1-based): chr4:6,301,476, A>G. VCF-style: chr4-6301476-A-G. GRCh37 (hg19) VCF-style: chr4-6303203-A-G.
Other names: c.1681A>G, p.Ile561Val (NM_001145853.1); short protein forms I561V.
Identifiers: ClinVar variation 1320392 (VCV001320392.14), dbSNP rs766673431, ClinGen allele CA2839443.